The following is an entry in ClinVar:

NM_000478.6(ALPL):c.184A>G (p.Met62Val)

Gene: ALPL (alkaline phosphatase, biomineralization associated; plus strand). Cytogenetic location: 1p36.12.
Variant type: single nucleotide variant.
Coding change: c.184A>G on transcript NM_000478.6 (MANE Select); coding-DNA position 184, A replaced by G.
Protein change: p.Met62Val; replaces methionine 62 with valine.
Molecular consequence: missense variant. On other transcripts: intron variant (1).
Genome position (GRCh38, 1-based): chr1:21,561,099, A>G. VCF-style: chr1-21561099-A-G. GRCh37 (hg19) VCF-style: chr1-21887592-A-G.
Other names: c.19A>G, p.Met7Val (NM_001127501.4); c.184A>G, p.Met62Val (NM_001369803.2, NM_001369804.2, NM_001369805.2); c.66+354A>G (NM_001177520.3); short protein forms M62V, M7V.
Identifiers: ClinVar variation 4086902 (VCV004086902.1).

ClinVar aggregate classification (germline): Likely pathogenic (1 of 4 stars; one submission).

Conditions:
Hypophosphatasia. Also called: Phosphoethanol-aminuria. Identifiers: Orphanet 436, MedGen C0020630, MeSH D007014, MONDO:0018570.

gnomAD v4.1: 1 of 1,608,096 alleles (0.000062%); highest among the groups gnomAD compares: South Asian, 0.0011%; no homozygotes.

Submission:

Genomenon, Inc
Classification: Likely pathogenic for Hypophosphatasia. Last evaluated: 2025-08-29. Review status: criteria provided, single submitter. Criteria: Genomenon Sequence Variant Interpretation Standards. Collection method: curation. Allele origin: germline. Affected: yes.
Comment: ALPL c.184A>G is a missense variant that changes the amino acid at residue 62 from Methionine to Valine. This variant has been observed in at least one proband affected with hypophosphatasia (PMID:12815606). It is absent or not present at a significant frequency in gnomAD. This variant is also reported as Met45Val in the literature. In silico models agree that this variant is possibly or probably damaging. The presence of pathogenic missense variant(s) at the same amino acid position indicates that this residue is likely important for protein function. In conclusion, we classify ALPL p.Met62Val (c.184A>G) as a likely pathogenic variant.

Literature cited by the submitters: PubMed 12815606.